The following is an entry in ClinVar:

NM_000158.4(GBE1):c.143+1G>A

Gene: GBE1 (1,4-alpha-glucan branching enzyme 1; minus strand). Cytogenetic location: 3p12.2.
Variant type: single nucleotide variant.
Coding change: c.143+1G>A on transcript NM_000158.4 (MANE Select); the canonical splice donor site of the intron after coding-DNA position 143, G replaced by A.
Molecular consequence: splice donor variant.
Genome position (GRCh38, 1-based): chr3:81,761,374, C>T on the plus strand (G>A on the coding strand, the complement: GBE1 is on the minus strand). VCF-style: chr3-81761374-C-T. GRCh37 (hg19) VCF-style: chr3-81810525-C-T.
Other names: IVS1DS, G-A, +1; c.143+1G>A; c.143+1G>A (NM_000158.3).
Identifiers: ClinVar variation 2784 (VCV000002784.12), dbSNP rs397515343, ClinGen allele CA115755.

ClinVar aggregate classification (germline): Pathogenic. Review status: criteria provided, multiple submitters, no conflicts (2 of 4 stars). 5 submissions from 5 submitters: Pathogenic (3). 2 of the submissions do not count toward it. Last evaluated 2025-12-08.

Conditions:
Glycogen storage disease, type IV (GSD4). Also called: AMYLOPECTINOSIS; ANDERSEN DISEASE; BRANCHER DEFICIENCY; Glycogen storage disease due to glycogen branching enzyme deficiency; CIRRHOSIS, FAMILIAL, WITH DEPOSITION OF ABNORMAL GLYCOGEN; GBE1 DEFICIENCY. Identifiers: Orphanet 367, MedGen C0017923, MONDO:0009292, OMIM 232500.
Glycogen storage disease IV, classic hepatic. Also called: GSD IV, CLASSIC HEPATIC. Identifiers: MedGen C1856301.
Glycogen storage disease due to glycogen branching enzyme deficiency, fatal perinatal neuromuscular form. Also called: Gsd IV, neuromuscular form, fatal perinatal; Glycogen storage disease IV, fatal perinatal neuromuscular. Identifiers: Orphanet 308655, MedGen C1856303, MONDO:0017697.

Allele frequency attached by ClinVar (database versions not stated): TOPMed 0.00001.
gnomAD v4.1: 1 of 1,605,686 alleles (0.000062%); highest among the groups gnomAD compares: Non-Finnish European, 0.000085%; no homozygotes.

Submissions (5):

Labcorp Genetics (formerly Invitae), Labcorp
Classification: Pathogenic for Glycogen storage disease, type IV; Glycogen storage disease IV, classic hepatic. Last evaluated: 2025-12-08. Review status: criteria provided, single submitter. Criteria: Invitae Variant Classification Sherloc (09022015). Collection method: clinical testing. Allele origin: germline.
Comment: This sequence change affects a donor splice site in intron 1 of the GBE1 gene. It is expected to disrupt RNA splicing. Variants that disrupt the donor or acceptor splice site typically lead to a loss of protein function (PMID: 16199547), and loss-of-function variants in GBE1 are known to be pathogenic (PMID: 15452297, 20058079). This variant is not present in population databases (gnomAD no frequency). Disruption of this splice site has been observed in individual(s) with glycogen storage disease IV (PMID: 15452297). This variant is also known as IVS1+1G>A. ClinVar contains an entry for this variant (Variation ID: 2784). Algorithms developed to predict the effect of sequence changes on RNA splicing suggest that this variant may disrupt the consensus splice site. For these reasons, this variant has been classified as Pathogenic.

Natera, Inc.
Classification: Pathogenic for Glycogen storage disease type IV. Last evaluated: 2024-07-03. Review status: criteria provided, single submitter. Criteria: Natera Variant Classification Schema (03/2026). Collection method: clinical testing. Allele origin: germline.
Comment: The c.143+1G>A variant in GBE1 is a canonical splice donor site variant predicted to affect pre-mRNA splicing, which may result in an abnormal transcript and altered protein product. This variant is expected to result in nonsense mediated decay, truncation, or a dysfunctional protein product. This variant is rare in the general population with a frequency below the threshold expected for the associated phenotype(s). This variant has been observed in one or more individuals affected with the associated recessive disease, as either homozygous or compound heterozygous with a second variant (PMID: 15452297). Functional studies show that this variant may disrupt protein function (PMID: 15452297). Given the available evidence, this variant is classified as Pathogenic.

Baylor Genetics
Classification: Pathogenic for Glycogen storage disease, type IV. Last evaluated: 2023-10-17. Review status: criteria provided, single submitter. Criteria: ACMG Guidelines, 2015. Collection method: clinical testing. Allele origin: unknown.

GeneReviews
Classification: Pathogenic for Adult Polyglucosan Body Disease. Last evaluated: 2009-04-02. Review status: no assertion criteria provided. Collection method: curation. Allele origin: unknown. Not counted in ClinVar's aggregate classification.
ClinVar note: Converted during submission from pathologic to Pathogenic.

OMIM
Classification: Pathogenic for GLYCOGEN STORAGE DISEASE IV, FATAL PERINATAL NEUROMUSCULAR. Last evaluated: 2004-09-28. Review status: no assertion criteria provided. Collection method: literature only. Allele origin: germline. Not counted in ClinVar's aggregate classification.

Literature cited by the submitters: PubMed 16199547 (cited by Labcorp Genetics (formerly Invitae), Labcorp); PubMed 15452297 (cited by 3 submitters); PubMed 20058079 (cited by Labcorp Genetics (formerly Invitae), Labcorp); PubMed 10384399 (cited by OMIM).